The following is an entry in ClinVar:

ClinVar aggregate classification (germline): Likely benign. Review status: criteria provided, multiple submitters, no conflicts (2 of 4 stars). 2 submissions from 2 submitters: Likely benign (2). Last evaluated 2025-12-07.

Allele frequency attached by ClinVar (database versions not stated): gnomAD exomes below 0.00001; gnomAD 0.00001; ExAC 0.00002; TOPMed 0.00002; ESP Exome Variant Server 0.00008.
gnomAD v4.1: 8 of 1,613,940 alleles (0.0005%); highest among the groups gnomAD compares: Non-Finnish European, 0.00059%; no homozygotes.

Submissions (2):

Labcorp Genetics (formerly Invitae), Labcorp
Classification: Likely benign. Last evaluated: 2025-12-07. Review status: criteria provided, single submitter. Criteria: Invitae Variant Classification Sherloc (09022015). Collection method: clinical testing. Allele origin: germline.

CeGaT Center for Human Genetics Tuebingen
Classification: Likely benign. Last evaluated: 2022-04-01. Review status: criteria provided, single submitter. Criteria: CeGaT Center For Human Genetics Tuebingen Variant Classification Criteria Version 2. Collection method: clinical testing. Allele origin: germline. Affected: yes. Observed: 1 variant allele.
Comment: LRP2: BP4, BP7

NM_004525.3(LRP2):c.3903T>C (p.Asp1301=)

Gene: LRP2 (LDL receptor related protein 2; minus strand). Cytogenetic location: 2q31.1.
Variant type: single nucleotide variant.
Coding change: c.3903T>C on transcript NM_004525.3 (MANE Select); coding-DNA position 3903, T replaced by C.
Protein change: p.Asp1301=; no amino-acid change (aspartic acid 1301 retained).
Molecular consequence: synonymous variant.
Genome position (GRCh38, 1-based): chr2:169,241,130, A>G on the plus strand (T>C on the coding strand, the complement: LRP2 is on the minus strand). VCF-style: chr2-169241130-A-G. GRCh37 (hg19) VCF-style: chr2-170097640-A-G.
Identifiers: ClinVar variation 1914033 (VCV001914033.29), dbSNP rs138547237, ClinGen allele CA1954919.